The following is an entry in ClinVar:

NM_001378609.3(OTOGL):c.4911G>C (p.Leu1637=)

Gene: OTOGL (otogelin like; plus strand). Cytogenetic location: 12q21.31.
Variant type: single nucleotide variant.
Coding change: c.4911G>C on transcript NM_001378609.3 (MANE Select); coding-DNA position 4911, G replaced by C.
Protein change: p.Leu1637=; no amino-acid change (leucine 1637 retained).
Molecular consequence: synonymous variant.
Genome position (GRCh38, 1-based): chr12:80,339,125, G>C. VCF-style: chr12-80339125-G-C. GRCh37 (hg19) VCF-style: chr12-80732905-G-C.
Other names: c.4776G>C, p.Leu1592= (NM_001368062.3); c.4911G>C, p.Leu1637= (NM_001378610.3, NM_173591.7); c.4884G>C (NM_173591.3).
Identifiers: ClinVar variation 2176824 (VCV002176824.10), dbSNP rs756841334, ClinGen allele CA6701552.

ClinVar aggregate classification (germline): Likely benign. Review status: criteria provided, multiple submitters, no conflicts (2 of 4 stars). 3 submissions from 3 submitters: Likely benign (2). 1 of the submissions does not count toward it. Last evaluated 2026-05-01.

Conditions:
OTOGL-related disorder. Also called: OTOGL-related condition.

Allele frequency attached by ClinVar (database versions not stated): gnomAD 0.00001; TOPMed 0.00003.
gnomAD v4.1: 10 of 1,611,606 alleles (0.00062%); highest among the groups gnomAD compares: Admixed American, 0.015%; no homozygotes.

Submissions (3):

CeGaT Center for Human Genetics Tuebingen
Classification: Likely benign. Last evaluated: 2026-05-01. Review status: criteria provided, single submitter. Criteria: CeGaT Center For Human Genetics Tuebingen Variant Classification Criteria Version 2. Collection method: clinical testing. Allele origin: germline. Affected: yes. Observed: 2 variant alleles.
Comment: OTOGL: BP4, BP7

Labcorp Genetics (formerly Invitae), Labcorp
Classification: Likely benign. Last evaluated: 2025-08-10. Review status: criteria provided, single submitter. Criteria: Invitae Variant Classification Sherloc (09022015). Collection method: clinical testing. Allele origin: germline.

PreventionGenetics, part of Exact Sciences
Classification: Likely benign for OTOGL-related condition. Last evaluated: 2024-06-03. Review status: no assertion criteria provided. Collection method: clinical testing. Allele origin: germline. Not counted in ClinVar's aggregate classification.
Comment: This variant is classified as likely benign based on ACMG/AMP sequence variant interpretation guidelines (Richards et al. 2015 PMID: 25741868, with internal and published modifications).